The following is an entry in ClinVar:

NM_022114.4(PRDM16):c.2060G>C (p.Gly687Ala)

Gene: PRDM16 (PR/SET domain 16; plus strand). Cytogenetic location: 1p36.32.
Variant type: single nucleotide variant.
Coding change: c.2060G>C on transcript NM_022114.4 (MANE Select); coding-DNA position 2060, G replaced by C.
Protein change: p.Gly687Ala; replaces glycine 687 with alanine.
Molecular consequence: missense variant.
Genome position (GRCh38, 1-based): chr1:3,412,257, G>C. VCF-style: chr1-3412257-G-C. GRCh37 (hg19) VCF-style: chr1-3328821-G-C.
Other names: c.2060G>C, p.Gly687Ala (NM_199454.3); short protein forms G687A.
Identifiers: ClinVar variation 229160 (VCV000229160.5), dbSNP rs876657959, ClinGen allele CA10576420.

ClinVar aggregate classification (germline): Uncertain significance (1 of 4 stars; one submission).

Allele frequency attached by ClinVar (database versions not stated): gnomAD 0.00003 and 0.00001; TOPMed 0.00001.
gnomAD v4.1: 2 of 1,612,248 alleles (0.00012%); highest among the groups gnomAD compares: African/African-American, 0.0027%; no homozygotes.

Submission:

Laboratory for Molecular Medicine, Mass General Brigham Personalized Medicine
Classification: Uncertain significance. Last evaluated: 2016-03-22. Review status: criteria provided, single submitter. Criteria: LMM Criteria. Collection method: clinical testing. Allele origin: germline. Observed: 1 variant allele.
Comment: Variant classified as Uncertain Significance - Favor Benign. The p.Gly687Ala var iant in PRDM16 has not been previously reported in individuals with cardiomyopat hy or in large population studies. Glycine at position 687 is not highly conser ved in mammals or evolutionarily distant species and one mammal (rabbit) and ten species of fish carry an alanine (Ala) at this position, raising the possibilit y that this change may be tolerated. In summary, while the clinical significance of the p.Gly687Ala variant is uncertain, these data suggest that it is more lik ely to be benign.